The following is an entry in ClinVar:

ClinVar aggregate classification (germline): Uncertain significance. Review status: criteria provided, multiple submitters, no conflicts (2 of 4 stars). 2 submissions from 2 submitters: Uncertain significance (2). Last evaluated 2023-05-15.

gnomAD v4.1: 11 of 1,613,864 alleles (0.00068%); highest among the groups gnomAD compares: South Asian, 0.0011%; no homozygotes.

Submissions (2):

GeneDx
Classification: Uncertain significance. Last evaluated: 2023-05-15. Review status: criteria provided, single submitter. Criteria: GeneDx Variant Classification Process June 2021. Collection method: clinical testing. Allele origin: germline.
Comment: Not observed at significant frequency in large population cohorts (gnomAD); Occurs in the triple helical domain at the Y position in the canonical Gly-X-Y repeat; although this variant may have an effect on normal protein folding and function, missense substitution at the Y position is not a common mechanism of disease (HGMD); In silico analysis supports that this missense variant has a deleterious effect on protein structure/function; Has not been previously published as pathogenic or benign to our knowledge

Labcorp Genetics (formerly Invitae), Labcorp
Classification: Uncertain significance. Last evaluated: 2022-11-01. Review status: criteria provided, single submitter. Criteria: Invitae Variant Classification Sherloc (09022015). Collection method: clinical testing. Allele origin: germline.
Comment: In summary, the available evidence is currently insufficient to determine the role of this variant in disease. Therefore, it has been classified as a Variant of Uncertain Significance. Algorithms developed to predict the effect of missense changes on protein structure and function are either unavailable or do not agree on the potential impact of this missense change (SIFT: "Deleterious"; PolyPhen-2: "Benign"; Align-GVGD: "Class C35"). ClinVar contains an entry for this variant (Variation ID: 1025327). This variant has not been reported in the literature in individuals affected with COL2A1-related conditions. This variant is not present in population databases (gnomAD no frequency). This sequence change replaces arginine, which is basic and polar, with glutamine, which is neutral and polar, at codon 560 of the COL2A1 protein (p.Arg560Gln).

NM_001844.5(COL2A1):c.1679G>A (p.Arg560Gln)

Gene: COL2A1 (collagen type II alpha 1 chain; minus strand). Cytogenetic location: 12q13.11.
Variant type: single nucleotide variant.
Coding change: c.1679G>A on transcript NM_001844.5 (MANE Select); coding-DNA position 1679, G replaced by A.
Protein change: p.Arg560Gln; replaces arginine 560 with glutamine.
Molecular consequence: missense variant.
Genome position (GRCh38, 1-based): chr12:47,985,729, C>T on the plus strand (G>A on the coding strand, the complement: COL2A1 is on the minus strand). VCF-style: chr12-47985729-C-T. GRCh37 (hg19) VCF-style: chr12-48379512-C-T.
Other names: c.1679G>A (NM_001844.4); c.1472G>A, p.Arg491Gln (NM_033150.3); short protein forms R491Q, R560Q.
Identifiers: ClinVar variation 1025327 (VCV001025327.10), dbSNP rs1186241291, ClinGen allele CA384551316.